The following is an entry in ClinVar:

ClinVar aggregate classification (germline): Uncertain significance (1 of 4 stars; one submission).

Conditions:
Inborn genetic diseases. Identifiers: MedGen C0950123, MeSH D030342.

Allele frequency attached by ClinVar (database versions not stated): gnomAD exomes below 0.00001; gnomAD 0.00001; TOPMed 0.00001.
gnomAD v4.1: 4 of 1,613,764 alleles (0.00025%); highest among the groups gnomAD compares: Non-Finnish European, 0.00034%; no homozygotes.

Submission:

Ambry Genetics
Classification: Uncertain significance for Inborn genetic diseases. Last evaluated: 2022-01-10. Review status: criteria provided, single submitter. Criteria: Ambry Variant Classification Scheme 2023. Collection method: clinical testing. Allele origin: germline.
Comment: The p.P2508A variant (also known as c.7522C>G), located in coding exon 45 of the ATR gene, results from a C to G substitution at nucleotide position 7522. The proline at codon 2508 is replaced by alanine, an amino acid with highly similar properties. This amino acid position is conserved. In addition, this alteration is predicted to be deleterious by in silico analysis. Since supporting evidence is limited at this time, the clinical significance of this alteration remains unclear.

NM_001184.4(ATR):c.7522C>G (p.Pro2508Ala)

Gene: ATR (ATR checkpoint kinase; minus strand). Cytogenetic location: 3q23.
Variant type: single nucleotide variant.
Coding change: c.7522C>G on transcript NM_001184.4 (MANE Select); coding-DNA position 7522, C replaced by G.
Protein change: p.Pro2508Ala; replaces proline 2508 with alanine.
Molecular consequence: missense variant.
Genome position (GRCh38, 1-based): chr3:142,457,737, G>C on the plus strand (C>G on the coding strand, the complement: ATR is on the minus strand). VCF-style: chr3-142457737-G-C. GRCh37 (hg19) VCF-style: chr3-142176579-G-C.
Other names: c.7330C>G, p.Pro2444Ala (NM_001354579.2); short protein forms P2508A, P2444A.
Identifiers: ClinVar variation 1759339 (VCV001759339.2), dbSNP rs1344180325, ClinGen allele CA354795474.